The following is an entry in ClinVar:

ClinVar aggregate classification (germline): Uncertain significance (1 of 4 stars; one submission).

Conditions:
Complex neurodevelopmental disorder. Identifiers: Orphanet 528084, MedGen C5568766, MONDO:0100038.

Submission:

Clinical Genomics Laboratory, Washington University in St. Louis
Classification: Uncertain significance for Complex neurodevelopmental disorder. Last evaluated: 2024-12-13. Review status: criteria provided, single submitter. Criteria: ACMG Guidelines, 2015. Collection method: clinical testing. Allele origin: germline.
Comment: The ANK2 c.2090C>G (p.Thr697Arg) variant, to our knowledge, has not been reported in the medical literature and is absent from the general population (gnomAD v.2.1.1), indicating it is not a common variant. Computational predictors indicate that the variant is damaging, evidence that correlates with impact to ANK2 function. A nearby missense variant (p.Thr692Ala) has been observed in an affected individual with autism spectrum disorder (HGMD database; Guissart C et al., PMID: 37088467). Due to limited information, and based on ACMG/AMP guidelines for variant interpretation (Richards S et al., PMID: 25741868), the clinical significance of this variant is uncertain at this time.

NM_001148.6(ANK2):c.2090C>G (p.Thr697Arg)

Gene: ANK2 (ankyrin 2; plus strand). Cytogenetic location: 4q26.
Variant type: single nucleotide variant.
Coding change: c.2090C>G on transcript NM_001148.6 (MANE Select); coding-DNA position 2090, C replaced by G.
Protein change: p.Thr697Arg; replaces threonine 697 with arginine.
Molecular consequence: missense variant.
Genome position (GRCh38, 1-based): chr4:113,287,615, C>G. VCF-style: chr4-113287615-C-G. GRCh37 (hg19) VCF-style: chr4-114208771-C-G.
Other names: c.2027C>G, p.Thr676Arg (NM_001127493.3, NM_001354239.2, NM_001354243.2 and 10 more transcripts); c.2090C>G, p.Thr697Arg (NM_001354225.2, NM_001354228.2, NM_001354232.2 and 6 more transcripts); c.2135C>G, p.Thr712Arg (NM_001354230.2, NM_001354231.2, NM_001354237.2 and 5 more transcripts); c.1991C>G, p.Thr664Arg (NM_001354245.2, NM_001354268.2); c.2003C>G, p.Thr668Arg (NM_001354249.2, NM_001354264.2, NM_001354266.2 and 10 more transcripts); c.1928C>G, p.Thr643Arg (NM_001354253.2, NM_001354257.2, NM_001354270.2 and 1 more transcripts); c.1904C>G, p.Thr635Arg (NM_001354260.2, NM_001354271.2, NM_001386151.1); c.2048C>G, p.Thr683Arg (NM_001354261.2, NM_001386147.1, NM_001386160.1); and 8 more; short protein forms T569R, T602R, T627R, T631R, T635R, T643R, T664R, T668R.
Identifiers: ClinVar variation 3600426 (VCV003600426.1).